The following is an entry in ClinVar:

NM_003119.4(SPG7):c.1779+5G>T

Gene: SPG7 (SPG7 matrix AAA peptidase subunit, paraplegin; plus strand). Cytogenetic location: 16q24.3.
Variant type: single nucleotide variant.
Coding change: c.1779+5G>T on transcript NM_003119.4 (MANE Select); 5 bases into the intron after coding-DNA position 1779, G replaced by T.
Molecular consequence: intron variant.
Genome position (GRCh38, 1-based): chr16:89,550,614, G>T. VCF-style: chr16-89550614-G-T. GRCh37 (hg19) VCF-style: chr16-89617022-G-T.
Other names: c.1779+5G>T (NM_001363850.1).
Identifiers: ClinVar variation 1414193 (VCV001414193.7), dbSNP rs1567931957, ClinGen allele CA2573152869.
Genomic context (GRCh38, chr16:89,550,614, plus strand): 5'-AGTCGGGCCACGCCTTGGTGGGCTGGATGCTGGAGCACACGGAGGCCGTGATGAAGGTGG[G>T]TCTTGGCAGGTGCCGGCTCCACGGGCCTTGGCCAAAGGTGGGTGGGGAGTCCCGCCTGTG-3'

ClinVar aggregate classification (germline): Uncertain significance. Review status: criteria provided, multiple submitters, no conflicts (2 of 4 stars). 2 submissions from 2 submitters: Uncertain significance (2). Last evaluated 2022-05-04.

Conditions:
Hereditary spastic paraplegia 7 (SPG7). Also called: Autosomal recessive spastic paraplegia type 7; SPG7-related neurologic disorder; SPASTIC PARAPLEGIA 7, AUTOSOMAL RECESSIVE, WITH OR WITHOUT CEREBELLAR ATAXIA; Spastic paraplegia 7; Hereditary spastic paraplegia Paraplegin type. Identifiers: Orphanet 99013, MedGen C1846564, MONDO:0011803, OMIM 607259.

Allele frequency attached by ClinVar (database versions not stated): gnomAD exomes below 0.00001.
gnomAD v4.1: 1 of 1,604,072 alleles (0.000062%); highest among the groups gnomAD compares: South Asian, 0.0011%; no homozygotes.

Submissions (2):

Mendelics
Classification: Uncertain significance. Last evaluated: 2022-05-04. Review status: criteria provided, single submitter. Criteria: Mendelics Assertion Criteria 2019. Collection method: clinical testing. Allele origin: germline.

Labcorp Genetics (formerly Invitae), Labcorp
Classification: Uncertain significance for Hereditary spastic paraplegia 7. Last evaluated: 2022-04-06. Review status: criteria provided, single submitter. Criteria: Invitae Variant Classification Sherloc (09022015). Collection method: clinical testing. Allele origin: germline.
Comment: This variant is not present in population databases (gnomAD no frequency). This sequence change falls in intron 13 of the SPG7 gene. It does not directly change the encoded amino acid sequence of the SPG7 protein. It affects a nucleotide within the consensus splice site. This variant has not been reported in the literature in individuals affected with SPG7-related conditions. In summary, the available evidence is currently insufficient to determine the role of this variant in disease. Therefore, it has been classified as a Variant of Uncertain Significance. Variants that disrupt the consensus splice site are a relatively common cause of aberrant splicing (PMID: 17576681, 9536098). Algorithms developed to predict the effect of sequence changes on RNA splicing suggest that this variant may disrupt the consensus splice site.

Literature cited by the submitters: PubMed 17576681 (cited by Labcorp Genetics (formerly Invitae), Labcorp); PubMed 9536098 (cited by Labcorp Genetics (formerly Invitae), Labcorp).